The following is an entry in ClinVar:

NM_001387430.1(SH2B1):c.1312G>C (p.Ala438Pro)

Gene: SH2B1 (SH2B adaptor protein 1; plus strand). Cytogenetic location: 16p11.2.
Variant type: single nucleotide variant.
Coding change: c.1312G>C on transcript NM_001387430.1 (MANE Select); coding-DNA position 1312, G replaced by C.
Protein change: p.Ala438Pro; replaces alanine 438 with proline.
Molecular consequence: missense variant.
Genome position (GRCh38, 1-based): chr16:28,871,782, G>C. VCF-style: chr16-28871782-G-C. GRCh37 (hg19) VCF-style: chr16-28883103-G-C.
Other names: c.1312G>C, p.Ala438Pro (NM_001145795.2, NM_001145796.2, NM_001145797.2 and 4 more transcripts); c.304G>C, p.Ala102Pro (NM_001308294.2); short protein forms A102P, A438P.
Identifiers: ClinVar variation 5009539 (VCV005009539.1).

ClinVar aggregate classification (germline): Uncertain significance (1 of 4 stars; one submission).

gnomAD v4.1: 5 of 1,612,180 alleles (0.00031%); highest among the groups gnomAD compares: South Asian, 0.0055%; no homozygotes.

Submission:

GeneDx
Classification: Uncertain significance. Last evaluated: 2026-03-20. Review status: criteria provided, single submitter. Criteria: GeneDx Variant Classification Process June 2021. Collection method: clinical testing. Allele origin: germline.
Comment: Not observed at significant frequency in large population cohorts (gnomAD); In silico analysis suggests that this missense variant does not alter protein structure/function; Has not been previously published as pathogenic or benign to our knowledge